The following is an entry in ClinVar:

NM_001571.6(IRF3):c.898C>A (p.Leu300Ile)

Gene: IRF3 (interferon regulatory factor 3; minus strand). Cytogenetic location: 19q13.33.
Variant type: single nucleotide variant.
Coding change: c.898C>A on transcript NM_001571.6 (MANE Select); coding-DNA position 898, C replaced by A.
Protein change: p.Leu300Ile; replaces leucine 300 with isoleucine.
Molecular consequence: missense variant. On other transcripts: non-coding transcript variant (1), intron variant (3).
Genome position (GRCh38, 1-based): chr19:49,662,032, G>T on the plus strand (C>A on the coding strand, the complement: IRF3 is on the minus strand). VCF-style: chr19-49662032-G-T. GRCh37 (hg19) VCF-style: chr19-50165289-G-T.
Other names: c.898C>A, p.Leu300Ile (NM_001197122.2); c.793C>A, p.Leu265Ile (NM_001197123.2); c.460C>A, p.Leu154Ile (NM_001197125.2, NM_001197126.2); c.163+393C>A (NM_001197128.2, NM_001197127.2); c.601+393C>A (NM_001197124.2); short protein forms L300I, L154I, L265I.
Identifiers: ClinVar variation 4984094 (VCV004984094.1).

ClinVar aggregate classification (germline): Uncertain significance (1 of 4 stars; one submission).

Conditions:
IRF3-related disorder. Also called: IRF3-related condition.

Submission:

PreventionGenetics, part of Exact Sciences
Classification: Uncertain significance for IRF3-related condition. Last evaluated: 2026-01-02. Review status: criteria provided, single submitter. Criteria: ACMG Guidelines, 2015. Collection method: clinical testing. Allele origin: germline.
Comment: The IRF3 c.898C>A variant is predicted to result in the amino acid substitution p.Leu300Ile. To our knowledge, this variant has not been reported in the literature or in a large population database (gnomAD), indicating this variant is rare. At this time, the clinical significance of this variant is uncertain due to the absence of conclusive functional and genetic evidence.